The following is an entry in ClinVar:

NM_173689.7(CRB2):c.471C>G (p.His157Gln)

Gene: CRB2 (crumbs cell polarity complex component 2; plus strand). Cytogenetic location: 9q33.3.
Variant type: single nucleotide variant.
Coding change: c.471C>G on transcript NM_173689.7 (MANE Select); coding-DNA position 471, C replaced by G.
Protein change: p.His157Gln; replaces histidine 157 with glutamine.
Molecular consequence: missense variant.
Genome position (GRCh38, 1-based): chr9:123,365,969, C>G. VCF-style: chr9-123365969-C-G. GRCh37 (hg19) VCF-style: chr9-126128248-C-G.
Other names: c.471C>G (NM_173689.5); short protein forms H157Q.
Identifiers: ClinVar variation 749697 (VCV000749697.26), dbSNP rs113157023, ClinGen allele CA5231670.

ClinVar aggregate classification (germline): Conflicting classifications of pathogenicity. Review status: criteria provided, conflicting classifications (1 of 4 stars). 5 submissions from 5 submitters: Uncertain significance (2); Likely benign (2). 1 of the submissions does not count toward it. Last evaluated 2025-12-03.

Conditions:
CRB2-related disorder. Also called: CRB2-related disorders; CRB2-related condition.
Inborn genetic diseases. Identifiers: MedGen C0950123, MeSH D030342.

Allele frequency attached by ClinVar (database versions not stated): 1000 Genomes Project 30x 0.00031; TOPMed 0.00107.
gnomAD v4.1: 218 of 1,597,630 alleles (0.014%); highest among the groups gnomAD compares: African/African-American, 0.26%; no homozygotes.

Submissions (5):

GeneDx
Classification: Uncertain significance. Last evaluated: 2025-12-03. Review status: criteria provided, single submitter. Criteria: GeneDx Variant Classification Process June 2021. Collection method: clinical testing. Allele origin: germline. Affected: yes.
Comment: In silico analysis supports that this missense variant has a deleterious effect on protein structure/function; Has not been previously published as pathogenic or benign to our knowledge

CeGaT Center for Human Genetics Tuebingen
Classification: Uncertain significance. Last evaluated: 2025-09-01. Review status: criteria provided, single submitter. Criteria: CeGaT Center For Human Genetics Tuebingen Variant Classification Criteria Version 2. Collection method: clinical testing. Allele origin: germline. Affected: yes. Observed: 1 variant allele.
Comment: CRB2: PM2

Labcorp Genetics (formerly Invitae), Labcorp
Classification: Likely benign. Last evaluated: 2025-06-12. Review status: criteria provided, single submitter. Criteria: Invitae Variant Classification Sherloc (09022015). Collection method: clinical testing. Allele origin: germline.

Ambry Genetics
Classification: Likely benign for Inborn genetic diseases. Last evaluated: 2024-10-01. Review status: criteria provided, single submitter. Criteria: Ambry Variant Classification Scheme 2023. Collection method: clinical testing. Allele origin: germline.

PreventionGenetics, part of Exact Sciences
Classification: Likely benign for CRB2-related condition. Last evaluated: 2022-02-15. Review status: no assertion criteria provided. Collection method: clinical testing. Allele origin: germline. Not counted in ClinVar's aggregate classification.
Comment: This variant is classified as likely benign based on ACMG/AMP sequence variant interpretation guidelines (Richards et al. 2015 PMID: 25741868, with internal and published modifications).